The following is an entry in ClinVar:

ClinVar aggregate classification (germline): Uncertain significance (1 of 4 stars; one submission).

Submission:

Labcorp Genetics (formerly Invitae), Labcorp
Classification: Uncertain significance. Last evaluated: 2025-06-23. Review status: criteria provided, single submitter. Criteria: Invitae Variant Classification Sherloc (09022015). Collection method: clinical testing. Allele origin: germline.
Comment: This sequence change replaces tyrosine, which is neutral and polar, with cysteine, which is neutral and slightly polar, at codon 674 of the DSCAML1 protein (p.Tyr674Cys). This variant is not present in population databases (gnomAD no frequency). This variant has not been reported in the literature in individuals affected with DSCAML1-related conditions. An algorithm developed to predict the effect of missense changes on protein structure and function (PolyPhen-2) suggests that this variant is likely to be disruptive. In summary, the available evidence is currently insufficient to determine the role of this variant in disease. Therefore, it has been classified as a Variant of Uncertain Significance.

NM_020693.4(DSCAML1):c.1841A>G (p.Tyr614Cys)

Gene: DSCAML1 (DS cell adhesion molecule like 1; minus strand). Cytogenetic location: 11q23.3.
Variant type: single nucleotide variant.
Coding change: c.1841A>G on transcript NM_020693.4 (MANE Select); coding-DNA position 1841, A replaced by G.
Protein change: p.Tyr614Cys; replaces tyrosine 614 with cysteine.
Molecular consequence: missense variant.
Genome position (GRCh38, 1-based): chr11:117,505,675, T>C on the plus strand (A>G on the coding strand, the complement: DSCAML1 is on the minus strand). VCF-style: chr11-117505675-T-C. GRCh37 (hg19) VCF-style: chr11-117376390-T-C.
Other names: c.1841A>G, p.Tyr614Cys (NM_001367904.1); short protein forms Y614C.
Identifiers: ClinVar variation 4721978 (VCV004721978.1).